The following is an entry in ClinVar:

ClinVar aggregate classification (germline): Benign. Review status: criteria provided, multiple submitters, no conflicts (2 of 4 stars). 3 submissions from 3 submitters: Benign (2). 1 of the submissions does not count toward it. Last evaluated 2018-03-29.

Conditions:
DNAH2-related disorder. Also called: DNAH2-related condition.

Allele frequency attached by ClinVar (database versions not stated): gnomAD 0.00093 and 0.00095; 1000 Genomes Project 30x 0.00156; 1000 Genomes Project 0.00160; TOPMed 0.00243; ExAC 0.00319; gnomAD exomes 0.00392.
gnomAD v4.1: 1,380 of 1,614,094 alleles (0.085%); highest among the groups gnomAD compares: Admixed American, 2.1%; 22 homozygotes.

Submissions (3):

Labcorp Genetics (formerly Invitae), Labcorp
Classification: Benign. Last evaluated: 2018-03-29. Review status: criteria provided, single submitter. Criteria: Invitae Variant Classification Sherloc (09022015). Collection method: clinical testing. Allele origin: germline.

Breakthrough Genomics
Classification: Benign. Review status: criteria provided, single submitter. Criteria: ACMG Guidelines, 2015. Collection method: not provided. Allele origin: germline. Inheritance: Autosomal recessive inheritance. Affected: yes.

PreventionGenetics, part of Exact Sciences
Classification: Benign for DNAH2-related condition. Last evaluated: 2019-08-13. Review status: no assertion criteria provided. Collection method: clinical testing. Allele origin: germline. Not counted in ClinVar's aggregate classification.
Comment: This variant is classified as benign based on ACMG/AMP sequence variant interpretation guidelines (Richards et al. 2015 PMID: 25741868, with internal and published modifications).

NM_020877.5(DNAH2):c.3795C>T (p.His1265=)

Gene: DNAH2 (dynein axonemal heavy chain 2; plus strand). Cytogenetic location: 17p13.1.
Variant type: single nucleotide variant.
Coding change: c.3795C>T on transcript NM_020877.5 (MANE Select); coding-DNA position 3795, C replaced by T.
Protein change: p.His1265=; no amino-acid change (histidine 1265 retained).
Molecular consequence: synonymous variant.
Genome position (GRCh38, 1-based): chr17:7,768,019, C>T. VCF-style: chr17-7768019-C-T. GRCh37 (hg19) VCF-style: chr17-7671337-C-T.
Identifiers: ClinVar variation 777481 (VCV000777481.6), dbSNP rs185730860, ClinGen allele CA8356898.